The following is an entry in ClinVar:

ClinVar aggregate classification (germline): Uncertain significance (1 of 4 stars; one submission).

Conditions:
Dystonia 12 (DYT12). Also called: DYT-ATP1A3; Rapid-Onset Dystonia-Parkinsonism (RDP). Identifiers: Orphanet 71517, MedGen C1868681, MONDO:0007496, OMIM 128235.

Submission:

Labcorp Genetics (formerly Invitae), Labcorp
Classification: Uncertain significance for Dystonia 12. Last evaluated: 2023-10-16. Review status: criteria provided, single submitter. Criteria: Invitae Variant Classification Sherloc (09022015). Collection method: clinical testing. Allele origin: germline.
Comment: This sequence change replaces glycine, which is neutral and non-polar, with aspartic acid, which is acidic and polar, at codon 558 of the ATP1A3 protein (p.Gly558Asp). This variant is not present in population databases (gnomAD no frequency). This variant has not been reported in the literature in individuals affected with ATP1A3-related conditions. ClinVar contains an entry for this variant (Variation ID: 998839). Advanced modeling of protein sequence and biophysical properties (such as structural, functional, and spatial information, amino acid conservation, physicochemical variation, residue mobility, and thermodynamic stability) has been performed at Invitae for this missense variant, however the output from this modeling did not meet the statistical confidence thresholds required to predict the impact of this variant on ATP1A3 protein function. In summary, the available evidence is currently insufficient to determine the role of this variant in disease. Therefore, it has been classified as a Variant of Uncertain Significance.

NM_152296.5(ATP1A3):c.1673G>A (p.Gly558Asp)

Gene: ATP1A3 (ATPase Na+/K+ transporting subunit alpha 3; minus strand). Cytogenetic location: 19q13.2.
Variant type: single nucleotide variant.
Coding change: c.1673G>A on transcript NM_152296.5 (MANE Select); coding-DNA position 1673, G replaced by A.
Protein change: p.Gly558Asp; replaces glycine 558 with aspartic acid.
Molecular consequence: missense variant.
Genome position (GRCh38, 1-based): chr19:41,978,284, C>T on the plus strand (G>A on the coding strand, the complement: ATP1A3 is on the minus strand). VCF-style: chr19-41978284-C-T. GRCh37 (hg19) VCF-style: chr19-42482436-C-T.
Other names: c.1706G>A, p.Gly569Asp (NM_001256213.2); c.1712G>A, p.Gly571Asp (NM_001256214.2); short protein forms G558D, G569D, G571D.
Identifiers: ClinVar variation 998839 (VCV000998839.7), dbSNP rs2075193579, ClinGen allele CA406045958.